The following is an entry in ClinVar:

NM_004380.3(CREBBP):c.5549T>C (p.Leu1850Pro)

Gene: CREBBP (CREB binding lysine acetyltransferase; minus strand). Cytogenetic location: 16p13.3.
Variant type: single nucleotide variant.
Coding change: c.5549T>C on transcript NM_004380.3 (MANE Select); coding-DNA position 5549, T replaced by C.
Protein change: p.Leu1850Pro; replaces leucine 1850 with proline.
Molecular consequence: missense variant.
Genome position (GRCh38, 1-based): chr16:3,729,498, A>G on the plus strand (T>C on the coding strand, the complement: CREBBP is on the minus strand). VCF-style: chr16-3729498-A-G. GRCh37 (hg19) VCF-style: chr16-3779499-A-G.
Other names: c.5435T>C, p.Leu1812Pro (NM_001079846.1); short protein forms L1850P, L1812P.
Identifiers: ClinVar variation 2883249 (VCV002883249.3), dbSNP rs1596787362, ClinGen allele CA394556040.
Genomic context (GRCh38, chr16:3,729,498, plus strand): 5'-GCCATCCGCCGGCGCATGAGCTGGGCCTGCTGCAGGCGGTGCTGGATCTGCTGCTGGCGG[A>G]GCTTGTGTTTGATGTTGAGGCAGAAGGGCACGGGGCATTTGTTTTCTTGGCAGTGCTTGG-3'
Protein context (NP_004371.2, residues 1840-1860): VPFCLNIKHK[Leu1850Pro]RQQQIQHRLQ

ClinVar aggregate classification (germline): Uncertain significance (1 of 4 stars; one submission).

Conditions:
Rubinstein-Taybi syndrome (RSTS). Identifiers: Orphanet 783, MedGen C0035934, MONDO:0019188.

Submission:

Labcorp Genetics (formerly Invitae), Labcorp
Classification: Uncertain significance for Rubinstein-Taybi syndrome. Last evaluated: 2023-08-30. Review status: criteria provided, single submitter. Criteria: Invitae Variant Classification Sherloc (09022015). Collection method: clinical testing. Allele origin: germline.
Comment: In summary, the available evidence is currently insufficient to determine the role of this variant in disease. Therefore, it has been classified as a Variant of Uncertain Significance. Advanced modeling of protein sequence and biophysical properties (such as structural, functional, and spatial information, amino acid conservation, physicochemical variation, residue mobility, and thermodynamic stability) performed at Invitae indicates that this missense variant is expected to disrupt CREBBP protein function. This variant is also known as p.L1812P. This missense change has been observed in individual(s) with clinical features of CREBBP-related conditions (PMID: 27899157). This variant is not present in population databases (gnomAD no frequency). This sequence change replaces leucine, which is neutral and non-polar, with proline, which is neutral and non-polar, at codon 1850 of the CREBBP protein (p.Leu1850Pro).

Literature cited by the submitters: PubMed 27899157.